The following is an entry in ClinVar:

ClinVar aggregate classification (germline): Uncertain significance (1 of 4 stars; one submission).

Conditions:
Fanconi anemia (FA). Also called: Fanconi's anemia. Identifiers: Orphanet 84, MedGen C0015625, MeSH D005199, MONDO:0019391.

Submission:

Labcorp Genetics (formerly Invitae), Labcorp
Classification: Uncertain significance for Fanconi anemia. Last evaluated: 2024-02-06. Review status: criteria provided, single submitter. Criteria: Invitae Variant Classification Sherloc (09022015). Collection method: clinical testing. Allele origin: germline.
Comment: This sequence change replaces aspartic acid, which is acidic and polar, with alanine, which is neutral and non-polar, at codon 1427 of the FANCA protein (p.Asp1427Ala). This variant is not present in population databases (gnomAD no frequency). This variant has not been reported in the literature in individuals affected with FANCA-related conditions. Advanced modeling of protein sequence and biophysical properties (such as structural, functional, and spatial information, amino acid conservation, physicochemical variation, residue mobility, and thermodynamic stability) performed at Invitae indicates that this missense variant is not expected to disrupt FANCA protein function with a negative predictive value of 95%. In summary, the available evidence is currently insufficient to determine the role of this variant in disease. Therefore, it has been classified as a Variant of Uncertain Significance.

NM_000135.4(FANCA):c.4280A>C (p.Asp1427Ala)

Genes: FANCA (FA complementation group A; minus strand), ZNF276 (zinc finger protein 276; plus strand). Cytogenetic location: 16q24.3.
Variant type: single nucleotide variant.
Coding change: c.4280A>C on transcript NM_000135.4 (MANE Select); coding-DNA position 4280, A replaced by C.
Protein change: p.Asp1427Ala; replaces aspartic acid 1427 with alanine.
Molecular consequence: missense variant. On other transcripts: 3 prime UTR variant (3), non-coding transcript variant (4).
Genome position (GRCh38, 1-based): chr16:89,738,689, T>G on the plus strand (A>C on the coding strand, the complement: FANCA is on the minus strand). VCF-style: chr16-89738689-T-G. GRCh37 (hg19) VCF-style: chr16-89805097-T-G.
Other names: c.*9A>C (NM_001286167.3); c.*443T>G (NM_001113525.2, NM_152287.4); short protein forms D1427A.
Identifiers: ClinVar variation 3637153 (VCV003637153.2).
Genomic context (GRCh38, chr16:89,738,689, plus strand): 5'-TCAGCGTCAGGGGCAGCCTGCTGTCTGCTCTGGAGGGCGGCGCTCACCTCTGGGTCGCAG[T>G]CCCCACGATCAGCCAGCAGCTGTGAGAGAGGAGCAGGTCCTCAGCCCATGCCGCCCACTA-3'
Protein context (NP_000126.2, residues 1417-1437): HVAELLADRG[Asp1427Ala]CDPEVSAALQ